The following is an entry in ClinVar:

NM_001943.5(DSG2):c.1129G>A (p.Val377Ile)

Gene: DSG2 (desmoglein 2; plus strand). Cytogenetic location: 18q12.1.
Variant type: single nucleotide variant.
Coding change: c.1129G>A on transcript NM_001943.5 (MANE Select); coding-DNA position 1129, G replaced by A.
Protein change: p.Val377Ile; replaces valine 377 with isoleucine.
Molecular consequence: missense variant.
Genome position (GRCh38, 1-based): chr18:31,531,101, G>A. VCF-style: chr18-31531101-G-A. GRCh37 (hg19) VCF-style: chr18-29111064-G-A.
Other names: short protein forms V377I.
Identifiers: ClinVar variation 2873019 (VCV002873019.4), dbSNP rs2510915347, ClinGen allele CA402138703.

ClinVar aggregate classification (germline): Uncertain significance. Review status: criteria provided, multiple submitters, no conflicts (2 of 4 stars). 2 submissions from 2 submitters: Uncertain significance (2). Last evaluated 2024-08-13.

Conditions:
Arrhythmogenic right ventricular dysplasia 10. Also called: ARRHYTHMOGENIC RIGHT VENTRICULAR DYSPLASIA, FAMILIAL, 10; Arrhythmogenic Right Ventricular Dysplasia/Cardiomyopathy10; Arrhythmogenic right ventricular dysplasia/cardiomyopathy, type 10. Identifiers: MedGen C1857777, MONDO:0012434, OMIM 610193.
Arrhythmogenic right ventricular cardiomyopathy (ARVD). Also called: Arrhythmogenic right ventricular dysplasia; Cardiomyopathy, ARVC; Arrhythmogenic cardiomyopathy; Arrhythmogenic Right Ventricular Cardiomyopathy (ARVC). Identifiers: Orphanet 247, MedGen C0349788, MeSH D019571, MONDO:0016587. Disease mechanism: loss of function. Inheritance: Various modes of inheritance.

Submissions (2):

All of Us Research Program, National Institutes of Health
Classification: Uncertain significance for Arrhythmogenic right ventricular cardiomyopathy. Last evaluated: 2024-08-13. Review status: criteria provided, single submitter. Criteria: ACMG Guidelines, 2015. Collection method: clinical testing. Allele origin: germline. Inheritance: Autosomal dominant inheritance. Observed: 1 variant allele, 1 heterozygote.
Comment: This missense variant replaces valine with isoleucine at codon 377 of the DSG2 protein. Computational prediction suggests that this variant may not impact protein structure and function (internally defined REVEL score threshold <= 0.5, PMID: 27666373). To our knowledge, functional studies have not been reported for this variant. This variant has not been reported in individuals affected with DSG2-related disorders in the literature. This variant has not been identified in the general population by the Genome Aggregation Database (gnomAD). The available evidence is insufficient to determine the role of this variant in disease conclusively. Therefore, this variant is classified as a Variant of Uncertain Significance.

This study involves interpretation of variants in research participants for the purpose of population health screening. Participant phenotype was not available at the time of variant classification. Additional details can be found in publication PMID: 35346344, PMCID: PMC8962531

Labcorp Genetics (formerly Invitae), Labcorp
Classification: Uncertain significance for Arrhythmogenic right ventricular dysplasia 10. Last evaluated: 2023-08-27. Review status: criteria provided, single submitter. Criteria: Invitae Variant Classification Sherloc (09022015). Collection method: clinical testing. Allele origin: germline.
Comment: In summary, the available evidence is currently insufficient to determine the role of this variant in disease. Therefore, it has been classified as a Variant of Uncertain Significance. Advanced modeling of protein sequence and biophysical properties (such as structural, functional, and spatial information, amino acid conservation, physicochemical variation, residue mobility, and thermodynamic stability) performed at Invitae indicates that this missense variant is not expected to disrupt DSG2 protein function. This variant has not been reported in the literature in individuals affected with DSG2-related conditions. This variant is not present in population databases (gnomAD no frequency). This sequence change replaces valine, which is neutral and non-polar, with isoleucine, which is neutral and non-polar, at codon 377 of the DSG2 protein (p.Val377Ile).